The following is an entry in ClinVar:

ClinVar aggregate classification (germline): Uncertain significance. Review status: criteria provided, multiple submitters, no conflicts (2 of 4 stars). 3 submissions from 3 submitters: Uncertain significance (3). Last evaluated 2024-09-09.

Conditions:
Familial melanoma. Also called: Hereditary melanoma; Hereditary cutaneous melanoma. Identifiers: Orphanet 618, MedGen C1512419, MONDO:0018961.
Hereditary cancer-predisposing syndrome. Also called: Hereditary Cancer Syndrome; Neoplastic Syndromes, Hereditary; Hereditary neoplastic syndrome; Tumor predisposition. Identifiers: Orphanet 140162, MedGen C0027672, MeSH D009386, MONDO:0015356.

Submissions (3):

Ambry Genetics
Classification: Uncertain significance for Hereditary cancer-predisposing syndrome. Last evaluated: 2024-09-09. Review status: criteria provided, single submitter. Criteria: Ambry Variant Classification Scheme 2023. Collection method: clinical testing. Allele origin: germline.
Comment: The p.H142D variant (also known as c.424C>G), located in coding exon 2 of the CDKN2A gene, results from a C to G substitution at nucleotide position 424. The histidine at codon 142 is replaced by aspartic acid, an amino acid with similar properties. This amino acid position is poorly conserved in available vertebrate species. In addition, this alteration is predicted to be tolerated by in silico analysis. Based on the available evidence, the clinical significance of this variant remains unclear.

Color Diagnostics, LLC DBA Color Health
Classification: Uncertain significance for Hereditary cancer-predisposing syndrome. Last evaluated: 2024-06-24. Review status: criteria provided, single submitter. Criteria: ACMG Guidelines, 2015. Collection method: clinical testing. Allele origin: germline.
Comment: The CDKN2A locus encodes two different gene products, p16INK4a and p14ARF. This missense variant replaces histidine with aspartic acid at codon 142 of the CDKN2A (p16INK4A) protein. Computational prediction suggests that this variant may not impact protein structure and function (internally defined REVEL score threshold <= 0.5, PMID: 27666373). To our knowledge, functional studies have not been reported for this variant. This variant has not been reported in individuals affected with CDKN2A-related disorders in the literature. This variant has not been identified in the general population by the Genome Aggregation Database (gnomAD). The available evidence is insufficient to determine the role of this variant in disease conclusively. Therefore, this variant is classified as a Variant of Uncertain Significance.

Labcorp Genetics (formerly Invitae), Labcorp
Classification: Uncertain significance for Familial melanoma. Last evaluated: 2022-09-07. Review status: criteria provided, single submitter. Criteria: Invitae Variant Classification Sherloc (09022015). Collection method: clinical testing. Allele origin: germline.
Comment: This sequence change replaces histidine, which is basic and polar, with aspartic acid, which is acidic and polar, at codon 142 of the CDKN2A (p16INK4a) protein (p.His142Asp). This variant is not present in population databases (gnomAD no frequency). In summary, the available evidence is currently insufficient to determine the role of this variant in disease. Therefore, it has been classified as a Variant of Uncertain Significance. Algorithms developed to predict the effect of missense changes on protein structure and function output the following: SIFT: "Tolerated"; PolyPhen-2: "Benign"; Align-GVGD: "Class C0". The aspartic acid amino acid residue is found in multiple mammalian species, which suggests that this missense change does not adversely affect protein function. ClinVar contains an entry for this variant (Variation ID: 840158). This variant has not been reported in the literature in individuals affected with CDKN2A (p16INK4a)-related conditions.

NM_000077.5(CDKN2A):c.424C>G (p.His142Asp)

Gene: CDKN2A (cyclin dependent kinase inhibitor 2A; minus strand). Cytogenetic location: 9p21.3.
Variant type: single nucleotide variant.
Coding change: c.424C>G on transcript NM_000077.5; coding-DNA position 424, C replaced by G.
Protein change: p.His142Asp; replaces histidine 142 with aspartic acid.
Molecular consequence: missense variant (on NM_000077.6). On other transcripts: 3 prime UTR variant (2).
Genome position (GRCh38, 1-based): chr9:21,970,935, G>C on the plus strand (C>G on the coding strand, the complement: CDKN2A is on the minus strand). VCF-style: chr9-21970935-G-C. GRCh37 (hg19) VCF-style: chr9-21970934-G-C.
Other names: c.424C>G, p.His142Asp (NM_000077.6, NM_001195132.2); c.271C>G, p.His91Asp (NM_001363763.2); c.*68C>G (NM_058195.4); c.*347C>G (NM_058197.5); short protein forms H91D, H142D.
Identifiers: ClinVar variation 840158 (VCV000840158.14), dbSNP rs1587330478, ClinGen allele CA373085866.
Genomic context (GRCh38, chr9:21,970,935, plus strand): 5'-ACAAATTCTCAGATCATCAGTCCTCACCTGAGGGACCTTCCGCGGCATCTATGCGGGCAT[G>C]GTTACTGCCTCTGGTGCCCCCCGCAGCCGCGCGCAGGTACCGTGCGACATCGCGATGGCC-3'
Protein context (NP_000068.1, residues 132-152): AAAGGTRGSN[His142Asp]ARIDAAEGPS